The following is an entry in ClinVar:

NM_003919.3(SGCE):c.751G>T (p.Glu251Ter)

Genes: CASD1 (CAS1 domain sialic acid O acetyltransferase 1; plus strand), SGCE (sarcoglycan epsilon; minus strand). Cytogenetic location: 7q21.3.
Variant type: single nucleotide variant.
Coding change: c.751G>T on transcript NM_003919.3 (MANE Select); coding-DNA position 751, G replaced by T.
Protein change: p.Glu251Ter; replaces glutamic acid 251 with a stop codon.
Molecular consequence: nonsense.
Genome position (GRCh38, 1-based): chr7:94,603,364, C>A on the plus strand (G>T on the coding strand, the complement: SGCE is on the minus strand). VCF-style: chr7-94603364-C-A. GRCh37 (hg19) VCF-style: chr7-94232676-C-A.
Other names: c.751G>T, p.Glu251Ter (NM_001099400.2, NM_001099401.2, NM_001346717.2); c.628G>T, p.Glu210Ter (NM_001301139.2, NM_001362809.2); c.859G>T, p.Glu287Ter (NM_001346713.2, NM_001346715.2); c.664G>T, p.Glu222Ter (NM_001346719.2, NM_001362807.2); c.478G>T, p.Glu160Ter (NM_001346720.2, NM_001362808.2); short protein forms E160*, E210*, E222*, E251*, E287*.
Identifiers: ClinVar variation 1321115 (VCV001321115.7), dbSNP rs2116723386, ClinGen allele CA368232197.

ClinVar aggregate classification (germline): Pathogenic. Review status: criteria provided, multiple submitters, no conflicts (2 of 4 stars). 2 submissions from 2 submitters: Pathogenic (2). Last evaluated 2022-05-24.

Conditions:
Myoclonic dystonia 11 (DYT11). Also called: Myoclonic dystonia; Dystonia 11; Dystonia, alcohol responsive; Hereditary essential myoclonus; SGCE Myoclonus-Dystonia; Myoclonus-Dystonia. Identifiers: Orphanet 36899, MedGen C1834570, MONDO:0008044, OMIM 159900.

Submissions (2):

GeneDx
Classification: Pathogenic. Last evaluated: 2022-05-24. Review status: criteria provided, single submitter. Criteria: GeneDx Variant Classification Process June 2021. Collection method: clinical testing. Allele origin: germline. Affected: yes.
Comment: Nonsense variant predicted to result in protein truncation or nonsense mediated decay in a gene for which loss-of-function is a known mechanism of disease; Not observed in large population cohorts (gnomAD); Has not been previously published as pathogenic or benign to our knowledge

Labcorp Genetics (formerly Invitae), Labcorp
Classification: Pathogenic for Myoclonic dystonia 11. Last evaluated: 2022-05-04. Review status: criteria provided, single submitter. Criteria: Invitae Variant Classification Sherloc (09022015). Collection method: clinical testing. Allele origin: germline.
Comment: This sequence change creates a premature translational stop signal (p.Glu251*) in the SGCE gene. It is expected to result in an absent or disrupted protein product. Loss-of-function variants in SGCE are known to be pathogenic (PMID: 12821748, 15389977, 17853490, 24297365). This variant is not present in population databases (gnomAD no frequency). For these reasons, this variant has been classified as Pathogenic. Algorithms developed to predict the effect of sequence changes on RNA splicing suggest that this variant may disrupt the consensus splice site. ClinVar contains an entry for this variant (Variation ID: 1321115). This variant has not been reported in the literature in individuals affected with SGCE-related conditions.

Literature cited by the submitters: PubMed 12821748 (cited by Labcorp Genetics (formerly Invitae), Labcorp); PubMed 15389977 (cited by Labcorp Genetics (formerly Invitae), Labcorp); PubMed 17853490 (cited by Labcorp Genetics (formerly Invitae), Labcorp); PubMed 24297365 (cited by Labcorp Genetics (formerly Invitae), Labcorp).